The following is an entry in ClinVar:

ClinVar aggregate classification (germline): Likely benign (1 of 4 stars; one submission).

Allele frequency attached by ClinVar (database versions not stated): TOPMed below 0.00001; ExAC 0.00002; gnomAD 0.00002.
gnomAD v4.1: 15 of 1,613,370 alleles (0.00093%); highest among the groups gnomAD compares: Non-Finnish European, 0.0012%; no homozygotes.

Submission:

CeGaT Center for Human Genetics Tuebingen
Classification: Likely benign. Last evaluated: 2022-12-01. Review status: criteria provided, single submitter. Criteria: CeGaT Center For Human Genetics Tuebingen Variant Classification Criteria Version 2. Collection method: clinical testing. Allele origin: germline. Affected: yes. Observed: 1 variant allele.
Comment: SLC4A4: BP4, BP7

NM_001098484.3(SLC4A4):c.2079A>G (p.Thr693=)

Gene: SLC4A4 (solute carrier family 4 member 4; plus strand). Cytogenetic location: 4q13.3.
Variant type: single nucleotide variant.
Coding change: c.2079A>G on transcript NM_001098484.3 (MANE Select); coding-DNA position 2079, A replaced by G.
Protein change: p.Thr693=; no amino-acid change (threonine 693 retained).
Molecular consequence: synonymous variant.
Genome position (GRCh38, 1-based): chr4:71,497,605, A>G. VCF-style: chr4-71497605-A-G. GRCh37 (hg19) VCF-style: chr4-72363322-A-G.
Other names: c.2079A>G, p.Thr693= (NM_001134742.2); c.1947A>G, p.Thr649= (NM_003759.4).
Identifiers: ClinVar variation 2654801 (VCV002654801.24), dbSNP rs762317514, ClinGen allele CA2955010.
Genomic context (GRCh38, chr4:71,497,605, plus strand): 5'-GTGTTCAAAATACGGAGGAAACCTCGTCGGGAACAACTGTAATTTTGTTCCTGATATCAC[A>G]CTCATGTCTTTTATCCTCTTCTTGGGAACCTACACCTCTTCCATGGCTCTGAAAAAATTC-3'
Protein context (NP_001091954.1, residues 683-703): GNNCNFVPDI[Thr693=]LMSFILFLGT